The following is an entry in ClinVar:

ClinVar aggregate classification (germline): Uncertain significance (1 of 4 stars; one submission).

Conditions:
Cardiovascular phenotype. Identifiers: MedGen CN230736.

gnomAD v4.1: 5 of 1,550,324 alleles (0.00032%); highest among the groups gnomAD compares: East Asian, 0.012%; no homozygotes.

Submission:

Ambry Genetics
Classification: Uncertain significance for Cardiovascular phenotype. Last evaluated: 2026-03-29. Review status: criteria provided, single submitter. Criteria: Ambry Variant Classification Scheme 2023. Collection method: clinical testing. Allele origin: germline.
Comment: The p.L2020I variant (also known as c.6058C>A), located in coding exon 2 of the ZNF469 gene, results from a C to A substitution at nucleotide position 6058. The leucine at codon 2020 is replaced by isoleucine, an amino acid with highly similar properties. This amino acid position is conserved. In addition, this alteration is predicted to be tolerated by in silico analysis. Based on the available evidence, the clinical significance of this variant remains unclear.

NM_001367624.2(ZNF469):c.6142C>A (p.Leu2048Ile)

Gene: ZNF469 (zinc finger protein 469; plus strand). Cytogenetic location: 16q24.2.
Variant type: single nucleotide variant.
Coding change: c.6142C>A on transcript NM_001367624.2 (MANE Select); coding-DNA position 6142, C replaced by A.
Protein change: p.Leu2048Ile; replaces leucine 2048 with isoleucine.
Molecular consequence: missense variant.
Genome position (GRCh38, 1-based): chr16:88,433,612, C>A. VCF-style: chr16-88433612-C-A. GRCh37 (hg19) VCF-style: chr16-88500020-C-A.
Other names: NM_001127464.1:c.6058C>A; short protein forms L2048I.
Identifiers: ClinVar variation 4866979 (VCV004866979.1).